The following is an entry in ClinVar:

NM_001202.6(BMP4):c.449_455delinsGGC (p.Asn150fs)

Gene: BMP4 (bone morphogenetic protein 4; minus strand). Cytogenetic location: 14q22.2.
Variant type: Indel.
Coding change: c.449_455delinsGGC on transcript NM_001202.6 (MANE Select); coding-DNA positions 449 to 455, ACGAGGT replaced by GGC.
Protein change: p.Asn150fs; shifts the reading frame from asparagine 150.
Molecular consequence: frameshift variant.
Genome position (GRCh38, 1-based): chr14:53,950,804-53,950,810, ACCTCGT replaced by GCC on the plus strand (ACGAGGT replaced by GGC on the coding strand, the reverse complement: BMP4 is on the minus strand). VCF-style: chr14-53950804-ACCTCGT-GCC. GRCh37 (hg19) VCF-style: chr14-54417522-ACCTCGT-GCC.
Other names: c.590_596delinsGGC, p.Asn197fs (NM_001347912.1); c.260_266delinsGGC, p.Asn87fs (NM_001347913.2, NM_001347915.2, NM_001347917.1); c.449_455delinsGGC, p.Asn150fs (NM_001347914.2, NM_001347916.1, NM_130850.5 and 1 more transcripts); short protein forms N150fs, N197fs, N87fs.
Identifiers: ClinVar variation 4849976 (VCV004849976.1).
Genomic context (GRCh38, chr14:53,950,804, plus strand): 5'-TCCCAATCAGGGCCCTGGTCCACCTGCTCCCGGAAGAGCCGAAGCTCTGCAGAGGAGATC[ACCTCGT>GCC]TCTCAGGGATGCTGCTGAGGTTAAAGAGGAAACGAAAAGCAGAGTTTTCACTGGTCCCTG-3'

ClinVar aggregate classification (germline): Likely pathogenic (1 of 4 stars; one submission).

Conditions:
Autosomal dominant BMP4-related disorders.

Submission:

Variantyx, Inc.
Classification: Likely pathogenic for Autosomal dominant BMP4-related disorders. Last evaluated: 2025-10-21. Review status: criteria provided, single submitter. Criteria: Variantyx Assertion Criteria 2022. Collection method: clinical testing. Allele origin: germline. Inheritance: Autosomal dominant inheritance. Affected: no.
Comment: This is a frameshift variant in the BMP4 gene (OMIM: 112262). Pathogenic variants in this gene have been associated with autosomal dominant BMP4-related disorders. This variant introduces a premature termination codon in exon 4 out of 4 and is expected to result in loss of function, which is a known disease mechanism for BMP4 in this disorder (PMID: 21340693, 18252212, 31053785, 30568244) (PVS1). This variant is absent from control populations (PM2). Based on the current evidence, this variant is classified as likely pathogenic for autosomal dominant BMP4-related disorders. Inheritance from an unaffected or mildly affected parent has been reported in the BMP4 gene, consistent with incomplete penetrance and/or variable expressivity (PMID: 21340693).

Literature cited by the submitters: PubMed 21340693; PubMed 18252212; PubMed 31053785; PubMed 30568244.